The following is an entry in ClinVar:

NM_000219.6(KCNE1):c.139G>C (p.Val47Leu)

Gene: KCNE1 (potassium voltage-gated channel subfamily E regulatory subunit 1; minus strand). Cytogenetic location: 21q22.12.
Variant type: single nucleotide variant.
Coding change: c.139G>C on transcript NM_000219.6 (MANE Select); coding-DNA position 139, G replaced by C.
Protein change: p.Val47Leu; replaces valine 47 with leucine.
Molecular consequence: missense variant.
Genome position (GRCh38, 1-based): chr21:34,449,496, C>G on the plus strand (G>C on the coding strand, the complement: KCNE1 is on the minus strand). VCF-style: chr21-34449496-C-G. GRCh37 (hg19) VCF-style: chr21-35821794-C-G.
Other names: c.139G>C, p.Val47Leu (NM_001127668.4, NM_001127669.4, NM_001127670.4 and 4 more transcripts); short protein forms V47L.
Identifiers: ClinVar variation 2771519 (VCV002771519.5), dbSNP rs199473353, ClinGen allele CA410198405.

ClinVar aggregate classification (germline): Uncertain significance (1 of 4 stars; one submission).

Conditions:
Long QT syndrome (LQTS). Identifiers: MedGen C0023976, MeSH D008133, MONDO:0002442. Disease mechanism: loss of function. Inheritance: Various modes of inheritance.

Submissions (2):

Labcorp Genetics (formerly Invitae), Labcorp
Classification: Uncertain significance for Long QT syndrome. Last evaluated: 2023-10-24. Review status: criteria provided, single submitter. Criteria: Invitae Variant Classification Sherloc (09022015). Collection method: clinical testing. Allele origin: germline.
Comment: This sequence change replaces valine, which is neutral and non-polar, with leucine, which is neutral and non-polar, at codon 47 of the KCNE1 protein (p.Val47Leu). This variant is not present in population databases (gnomAD no frequency). This variant has not been reported in the literature in individuals affected with KCNE1-related conditions. Advanced modeling of protein sequence and biophysical properties (such as structural, functional, and spatial information, amino acid conservation, physicochemical variation, residue mobility, and thermodynamic stability) has been performed at Invitae for this missense variant, however the output from this modeling did not meet the statistical confidence thresholds required to predict the impact of this variant on KCNE1 protein function. In summary, the available evidence is currently insufficient to determine the role of this variant in disease. Therefore, it has been classified as a Variant of Uncertain Significance.

Roden Lab, Vanderbilt University Medical Center
No classification provided (evidence only). Condition: Long QT syndrome 5. Review status: no classification provided. Collection method: in vitro. Allele origin: not applicable. Functional consequence: Effect on ion channel function. Not counted in ClinVar's aggregate classification.
ClinVar note: "not provided" was previously submitted as the classification for the variant. However, the classification appeared to be based only on an observation of functional data so it was converted to no classification on 2025-07-30.